The following is an entry in ClinVar:

NM_024675.4(PALB2):c.84C>T (p.Tyr28=)

Gene: PALB2 (partner and localizer of BRCA2; minus strand). Cytogenetic location: 16p12.2.
Variant type: single nucleotide variant.
Coding change: c.84C>T on transcript NM_024675.4 (MANE Select); coding-DNA position 84, C replaced by T.
Protein change: p.Tyr28=; no amino-acid change (tyrosine 28 retained).
Molecular consequence: synonymous variant.
Genome position (GRCh38, 1-based): chr16:23,638,094, G>A on the plus strand (C>T on the coding strand, the complement: PALB2 is on the minus strand). VCF-style: chr16-23638094-G-A. GRCh37 (hg19) VCF-style: chr16-23649415-G-A.
Identifiers: ClinVar variation 184820 (VCV000184820.34), dbSNP rs761533286, ClinGen allele CA190148.

ClinVar aggregate classification (germline): Benign/Likely benign. Review status: criteria provided, multiple submitters, no conflicts (2 of 4 stars). 15 submissions from 15 submitters: Benign (1); Likely benign (12). 2 of the submissions do not count toward it. Last evaluated 2026-01-27.

Conditions:
Breast-ovarian cancer, familial, susceptibility to, 5 (BROVCA5). Identifiers: MedGen C5830615, MONDO:0957530, OMIM 620442.
Hereditary cancer-predisposing syndrome. Also called: Tumor predisposition; Neoplastic Syndromes, Hereditary; Hereditary Cancer Syndrome; Hereditary neoplastic syndrome. Identifiers: Orphanet 140162, MedGen C0027672, MeSH D009386, MONDO:0015356.
Familial cancer of breast. Also called: hereditary breast carcinoma; BREAST CANCER, FAMILIAL; Hereditary breast cancer. Identifiers: Orphanet 227535, MedGen C0346153, MONDO:0016419, OMIM 114480. Disease mechanism: loss of function.

Allele frequency attached by ClinVar (database versions not stated): gnomAD 0.00001; gnomAD exomes 0.00001; ExAC 0.00002; TOPMed 0.00002.
gnomAD v4.1: 29 of 1,613,882 alleles (0.0018%); highest among the groups gnomAD compares: East Asian, 0.0022%; no homozygotes.

Submissions (15):

Labcorp Genetics (formerly Invitae), Labcorp
Classification: Likely benign for Familial cancer of breast. Last evaluated: 2026-01-27. Review status: criteria provided, single submitter. Criteria: Invitae Variant Classification Sherloc (09022015). Collection method: clinical testing. Allele origin: germline.

CeGaT Center for Human Genetics Tuebingen
Classification: Likely benign. Last evaluated: 2025-11-01. Review status: criteria provided, single submitter. Criteria: CeGaT Center For Human Genetics Tuebingen Variant Classification Criteria Version 2. Collection method: clinical testing. Allele origin: germline. Affected: yes. Observed: 1 variant allele.
Comment: PALB2: BP4, BP7

Center for Genomic Medicine, Rigshospitalet, Copenhagen University Hospital
Classification: Likely benign. Last evaluated: 2025-03-04. Review status: criteria provided, single submitter. Criteria: ACMG Guidelines, 2015. Collection method: clinical testing. Allele origin: germline.

Quest Diagnostics Nichols Institute San Juan Capistrano
Classification: Likely benign. Last evaluated: 2025-02-05. Review status: criteria provided, single submitter. Criteria: Quest Diagnostics criteria. Collection method: clinical testing. Allele origin: unknown.

Blueprint Genetics
Classification: Likely benign. Last evaluated: 2024-06-13. Review status: criteria provided, single submitter. Criteria: ACMG Guidelines, 2015. Collection method: clinical testing. Allele origin: germline.

KCCC/NGS Laboratory, Kuwait Cancer Control Center
Classification: Likely benign for Breast-ovarian cancer, familial, susceptibility to, 5. Last evaluated: 2023-07-07. Review status: criteria provided, single submitter. Criteria: ACMG Guidelines, 2015. Collection method: clinical testing. Allele origin: germline. Affected: yes.

Myriad Genetics, Inc.
Classification: Benign for Familial cancer of breast. Last evaluated: 2023-03-30. Review status: criteria provided, single submitter. Criteria: Myriad Autosomal Dominant, Autosomal Recessive and X-Linked Classification Criteria (2023). Collection method: clinical testing. Allele origin: unknown.
Comment: This variant is considered benign. This variant is a silent/synonymous amino acid change and it is not expected to impact splicing.

Sema4
Classification: Likely benign for Hereditary cancer-predisposing syndrome. Last evaluated: 2021-01-18. Review status: criteria provided, single submitter. Criteria: Sema4 Curation Guidelines. Collection method: curation. Allele origin: germline.

Women's Health and Genetics/Laboratory Corporation of America, LabCorp
Classification: Likely benign. Last evaluated: 2019-08-29. Review status: criteria provided, single submitter. Criteria: LabCorp Variant Classification Summary - May 2015. Collection method: clinical testing. Allele origin: germline.

PreventionGenetics, part of Exact Sciences
Classification: Likely benign. Last evaluated: 2017-07-07. Review status: criteria provided, single submitter. Criteria: ACMG Guidelines, 2015. Collection method: clinical testing. Allele origin: germline.

GeneDx
Classification: Likely benign. Last evaluated: 2017-04-06. Review status: criteria provided, single submitter. Criteria: GeneDx Variant Classification (06012015). Collection method: clinical testing. Allele origin: germline. Affected: yes.
Comment: This variant is considered likely benign or benign based on one or more of the following criteria: it is a conservative change, it occurs at a poorly conserved position in the protein, it is predicted to be benign by multiple in silico algorithms, and/or has population frequency not consistent with disease.

Color Diagnostics, LLC DBA Color Health
Classification: Likely benign for Hereditary cancer-predisposing syndrome. Last evaluated: 2015-12-28. Review status: criteria provided, single submitter. Criteria: ACMG Guidelines, 2015. Collection method: clinical testing. Allele origin: germline.

Ambry Genetics
Classification: Likely benign for Hereditary cancer-predisposing syndrome. Last evaluated: 2014-11-26. Review status: criteria provided, single submitter. Criteria: Ambry Variant Classification Scheme 2023. Collection method: clinical testing. Allele origin: germline.

Counsyl
Classification: Likely benign for Familial cancer of breast. Last evaluated: 2015-12-09. Review status: no assertion criteria provided. Collection method: clinical testing. Allele origin: unknown. Not counted in ClinVar's aggregate classification.

Department of Pathology and Laboratory Medicine, Sinai Health System
Classification: Likely benign. Review status: no assertion criteria provided. Collection method: clinical testing. Allele origin: unknown. Affected: yes. Study: The Canadian Open Genetics Repository (COGR). Not counted in ClinVar's aggregate classification.
Comment: The PALB2 p.Tyr28= variant was not identified in the literature nor was it identified in the LOVD 3.0 database. The variant was identified in dbSNP (ID: rs761533286) â€šÃ„ÃºWith Likely benign alleleâ€šÃ„Ã¹ and ClinVar (classified likely benign by Ambry Genetics, Invitae, GeneDx, Counsyl, Color and Prevention Genetics). The variant was identified in control databases in 3 of 246264 chromosomes at a frequency of 0.00001 (Genome Aggregation Database Feb 27, 2017). The variant was observed in the following populations: Latino in 1 of 33582 chromosomes (freq: 0.00003) and European Non-Finnish in 2 of 111714 chromosomes (freq: 0.00002), while not observed in the African, Other, Ashkenazi Jewish, East Asian, European Finnish, or South Asian populations. The p.Tyr28= variant is not expected to have clinical significance because it does not result in a change of amino acid and is not located in a known consensus splice site. In addition, in silico or computational prediction software programs (SpliceSiteFinder, MaxEntScan, NNSPLICE, GeneSplicer) do not predict a difference in splicing. In summary, based on the above information, the clinical significance of this variant cannot be determined with certainty at this time although we would lean towards a more benign role for this variant. This variant is classified as likely benign.